The following is an entry in ClinVar:

ClinVar aggregate classification (germline): Conflicting classifications of pathogenicity. Review status: criteria provided, conflicting classifications (1 of 4 stars). 2 submissions from 2 submitters: Uncertain significance (1); Likely benign (1). Last evaluated 2026-07-31.

Conditions:
Hereditary cancer-predisposing syndrome. Also called: Hereditary neoplastic syndrome; Neoplastic Syndromes, Hereditary; Tumor predisposition; Hereditary Cancer Syndrome. Identifiers: Orphanet 140162, MedGen C0027672, MeSH D009386, MONDO:0015356.
Ataxia-telangiectasia syndrome (AT). Also called: Ataxia-telangiectasia, complementation group D; AT, COMPLEMENTATION GROUP C; ATAXIA-TELANGIECTASIA, COMPLEMENTATION GROUP A; ATAXIA-TELANGIECTASIA, FRESNO VARIANT; Ataxia-telangiectasia; LOUIS-BAR SYNDROME. Identifiers: Orphanet 100, MedGen C0004135, MONDO:0008840, OMIM 208900.

Allele frequency attached by ClinVar (database versions not stated): gnomAD exomes below 0.00001.
gnomAD v4.1: 1 of 1,613,720 alleles (0.000062%); highest among the groups gnomAD compares: Non-Finnish European, 0.000085%; no homozygotes.

Submissions (2):

Ambry Genetics
Classification: Likely benign for Hereditary cancer-predisposing syndrome. Last evaluated: 2026-07-31. Review status: criteria provided, single submitter. Criteria: Ambry Variant Classification Scheme 2023. Collection method: clinical testing. Allele origin: germline.

Labcorp Genetics (formerly Invitae), Labcorp
Classification: Uncertain significance for Ataxia-telangiectasia syndrome. Last evaluated: 2022-04-22. Review status: criteria provided, single submitter. Criteria: Invitae Variant Classification Sherloc (09022015). Collection method: clinical testing. Allele origin: germline.
Comment: In summary, the available evidence is currently insufficient to determine the role of this variant in disease. Therefore, it has been classified as a Variant of Uncertain Significance. Advanced modeling of protein sequence and biophysical properties (such as structural, functional, and spatial information, amino acid conservation, physicochemical variation, residue mobility, and thermodynamic stability) performed at Invitae indicates that this missense variant is not expected to disrupt ATM protein function. This variant has not been reported in the literature in individuals affected with ATM-related conditions. This variant is not present in population databases (gnomAD no frequency). This sequence change replaces asparagine, which is neutral and polar, with serine, which is neutral and polar, at codon 1739 of the ATM protein (p.Asn1739Ser).

NM_000051.4(ATM):c.5216A>G (p.Asn1739Ser)

Gene: ATM (ATM serine/threonine kinase; plus strand). Cytogenetic location: 11q22.3.
Variant type: single nucleotide variant.
Coding change: c.5216A>G on transcript NM_000051.4 (MANE Select); coding-DNA position 5216, A replaced by G.
Protein change: p.Asn1739Ser; replaces asparagine 1739 with serine.
Molecular consequence: missense variant.
Genome position (GRCh38, 1-based): chr11:108,301,686, A>G. VCF-style: chr11-108301686-A-G. GRCh37 (hg19) VCF-style: chr11-108172413-A-G.
Other names: c.5216A>G, p.Asn1739Ser (NM_001351834.2); short protein forms N1739S.
Identifiers: ClinVar variation 1926462 (VCV001926462.6), dbSNP rs1591708595, ClinGen allele CA382542278.